The following is an entry in ClinVar:

NM_022114.4(PRDM16):c.1665C>A (p.Ala555=)

Gene: PRDM16 (PR/SET domain 16; plus strand). Cytogenetic location: 1p36.32.
Variant type: single nucleotide variant.
Coding change: c.1665C>A on transcript NM_022114.4 (MANE Select); coding-DNA position 1665, C replaced by A.
Protein change: p.Ala555=; no amino-acid change (alanine 555 retained).
Molecular consequence: synonymous variant.
Genome position (GRCh38, 1-based): chr1:3,411,862, C>A. VCF-style: chr1-3411862-C-A. GRCh37 (hg19) VCF-style: chr1-3328426-C-A.
Other names: c.1665C>A, p.Ala555= (NM_199454.3); c.1665C>A (NM_022114.3).
Identifiers: ClinVar variation 1122589 (VCV001122589.16), dbSNP rs768209040, ClinGen allele CA544245.

ClinVar aggregate classification (germline): Likely benign. Review status: criteria provided, single submitter (1 of 4 stars). 5 submissions from 5 submitters: Likely benign (1). 4 of the submissions do not count toward it. Last evaluated 2024-04-01.

Conditions:
Left ventricular noncompaction 8 (LVNC8). Identifiers: Orphanet 154, Orphanet 54260, MedGen C3809288, MONDO:0014152, OMIM 615373.
PRDM16-related disorder. Also called: PRDM16-related condition.

Allele frequency attached by ClinVar (database versions not stated): TOPMed below 0.00001; gnomAD exomes 0.00002; ExAC 0.00003.
gnomAD v4.1: 34 of 1,612,172 alleles (0.0021%); highest among the groups gnomAD compares: Non-Finnish European, 0.0026%; no homozygotes.

Submissions (5):

Labcorp Genetics (formerly Invitae), Labcorp
Classification: Likely benign for Left ventricular noncompaction 8. Last evaluated: 2024-04-01. Review status: criteria provided, single submitter. Criteria: Invitae Variant Classification Sherloc (09022015). Collection method: clinical testing. Allele origin: germline.

PreventionGenetics, part of Exact Sciences
Classification: Likely benign for PRDM16-related condition. Last evaluated: 2019-07-18. Review status: no assertion criteria provided. Collection method: clinical testing. Allele origin: germline. Not counted in ClinVar's aggregate classification.
Comment: This variant is classified as likely benign based on ACMG/AMP sequence variant interpretation guidelines (Richards et al. 2015 PMID: 25741868, with internal and published modifications).

Clinical Genetics DNA and cytogenetics Diagnostics Lab, Erasmus MC, Erasmus Medical Center
Classification: Likely benign. Review status: no assertion criteria provided. Collection method: clinical testing. Allele origin: germline. Affected: yes. Study: VKGL Data-share Consensus. Not counted in ClinVar's aggregate classification.

Clinical Genetics, Academic Medical Center
Classification: Benign. Review status: no assertion criteria provided. Collection method: clinical testing. Allele origin: germline. Affected: yes. Study: VKGL Data-share Consensus. Not counted in ClinVar's aggregate classification.

Joint Genome Diagnostic Labs from Nijmegen and Maastricht, Radboudumc and MUMC+
Classification: Likely benign. Review status: no assertion criteria provided. Collection method: clinical testing. Allele origin: germline. Affected: yes. Study: VKGL Data-share Consensus. Not counted in ClinVar's aggregate classification.